The following is an entry in ClinVar:

NM_139076.3(ABRAXAS1):c.712del (p.Gln238fs)

Gene: ABRAXAS1 (abraxas 1, BRCA1 A complex subunit; minus strand). Cytogenetic location: 4q21.23.
Variant type: Deletion.
Coding change: c.712del on transcript NM_139076.3 (MANE Select); coding-DNA position 712, one base deleted (C; older notation c.712delC).
Protein change: p.Gln238fs; shifts the reading frame from glutamine 238.
Molecular consequence: frameshift variant.
Genome position (GRCh38, 1-based): chr4:83,463,578, G deleted on the plus strand (C on the coding strand, the reverse complement: ABRAXAS1 is on the minus strand). VCF-style (leftmost placement, unchanged base first): chr4-83463577-TG-T. GRCh37 (hg19) VCF-style: chr4-84384730-TG-T.
Other names: c.385del, p.Gln129fs (NM_001345962.2); c.712delC (NM_139076.3); short protein forms Q129fs, Q238fs.
Identifiers: ClinVar variation 224568 (VCV000224568.9), dbSNP rs771336457, ClinGen allele CA351228.
Genomic context (GRCh38, chr4:83,463,577, plus strand): 5'-CTCCTTTTCTCAATTTCTCGTTTTAATCTGTTTACATCCTTTACTAGTTTATCTACTGCT[TG>T]TTCACTGTCTTCCACTTTTTTGCATATACTCTGCAAAATAAAGTAATTTAAGGGCATAGG-3'

ClinVar aggregate classification (germline): Uncertain significance. Review status: criteria provided, multiple submitters, no conflicts (2 of 4 stars). 3 submissions from 3 submitters: Uncertain significance (3). Last evaluated 2025-10-27.

Conditions:
Hereditary cancer-predisposing syndrome. Also called: Tumor predisposition; Hereditary neoplastic syndrome; Neoplastic Syndromes, Hereditary; Hereditary Cancer Syndrome. Identifiers: Orphanet 140162, MedGen C0027672, MeSH D009386, MONDO:0015356.

Allele frequency attached by ClinVar (database versions not stated): gnomAD 0.00001; gnomAD exomes 0.00001 and 0.00002; TOPMed 0.00001; ExAC 0.00003; ESP Exome Variant Server 0.00008.

Submissions (3):

Women's Health and Genetics/Laboratory Corporation of America, LabCorp
Classification: Uncertain significance. Last evaluated: 2025-10-27. Review status: criteria provided, single submitter. Criteria: LabCorp Variant Classification Summary - May 2015. Collection method: clinical testing. Allele origin: germline.
Comment: Variant summary: FAM175A c.712delC (p.Gln238LysfsX3) results in a premature termination codon, predicted to cause a truncation of the encoded protein or absence of the protein due to nonsense mediated decay, however current evidence is not sufficient to establish loss of function as a mechanism for disease. The variant allele was found at a frequency of 1.6e-05 in 248168 control chromosomes (gnomAD). The available data on variant occurrences in the general population are insufficient to allow any conclusion about variant significance. c.712delC has been observed in individuals with personal and/or family history of Hereditary Breast And Ovarian Cancer Syndrome, but was also found in controls (e.g. Shirts_2016, Dorling_2021). These reports do not provide unequivocal conclusions about association of the variant with Hereditary Breast And Ovarian Cancer Syndrome. To our knowledge, no experimental evidence demonstrating an impact on protein function has been reported. The following publications have been ascertained in the context of this evaluation (PMID: 26845104, 33471991). ClinVar contains an entry for this variant (Variation ID: 224568). Based on the evidence outlined above, the variant was classified as uncertain significance.

Labcorp Genetics (formerly Invitae), Labcorp
Classification: Uncertain significance. Last evaluated: 2021-12-16. Review status: criteria provided, single submitter. Criteria: Invitae Variant Classification Sherloc (09022015). Collection method: clinical testing. Allele origin: germline.
Comment: This variant is present in population databases (rs771336457, gnomAD 0.003%). In summary, the available evidence is currently insufficient to determine the role of this variant in disease. Therefore, it has been classified as a Variant of Uncertain Significance. ClinVar contains an entry for this variant (Variation ID: 224568). This premature translational stop signal has been observed in individual(s) with family history of breast cancer (PMID: 26845104). This sequence change creates a premature translational stop signal (p.Gln238Lysfs*3) in the ABRAXAS1 gene. It is expected to result in an absent or disrupted protein product. However, the current clinical and genetic evidence is not sufficient to establish whether loss-of-function variants in ABRAXAS1 cause disease.

University of Washington Department of Laboratory Medicine, University of Washington
Classification: Uncertain significance for Hereditary cancer-predisposing syndrome. Last evaluated: 2015-11-20. Review status: criteria provided, single submitter. Criteria: Shirts et al. (Genet Med 2016). Collection method: clinical testing. Allele origin: germline. Affected: no. Observed: 1 variant allele.

Literature cited by the submitters: PubMed 26845104 (cited by Women's Health and Genetics/Laboratory Corporation of America, LabCorp and Labcorp Genetics (formerly Invitae), Labcorp); PubMed 33471991 (cited by Women's Health and Genetics/Laboratory Corporation of America, LabCorp).